The following is an entry in ClinVar:

NM_000350.3(ABCA4):c.66+3A>C

Gene: ABCA4 (ATP binding cassette subfamily A member 4; minus strand). Cytogenetic location: 1p22.1.
Variant type: single nucleotide variant.
Coding change: c.66+3A>C on transcript NM_000350.3 (MANE Select); 3 bases into the intron after coding-DNA position 66, A replaced by C.
Molecular consequence: intron variant.
Genome position (GRCh38, 1-based): chr1:94,120,977, T>G on the plus strand (A>C on the coding strand, the complement: ABCA4 is on the minus strand). VCF-style: chr1-94120977-T-G. GRCh37 (hg19) VCF-style: chr1-94586533-T-G.
Identifiers: ClinVar variation 1364068 (VCV001364068.4), dbSNP rs781460114, ClinGen allele CA958967.

ClinVar aggregate classification (germline): Uncertain significance. Review status: criteria provided, multiple submitters, no conflicts (2 of 4 stars). 2 submissions from 2 submitters: Uncertain significance (2). Last evaluated 2022-09-27.

Allele frequency attached by ClinVar (database versions not stated): gnomAD exomes below 0.00001; ExAC 0.00001.
gnomAD v4.1: 1 of 1,613,316 alleles (0.000062%); no homozygotes.

Submissions (2):

Labcorp Genetics (formerly Invitae), Labcorp
Classification: Uncertain significance. Last evaluated: 2022-09-27. Review status: criteria provided, single submitter. Criteria: Invitae Variant Classification Sherloc (09022015). Collection method: clinical testing. Allele origin: germline.
Comment: This sequence change falls in intron 1 of the ABCA4 gene. It does not directly change the encoded amino acid sequence of the ABCA4 protein. It affects a nucleotide within the consensus splice site. This variant is present in population databases (rs781460114, gnomAD 0.01%). This variant has been observed in individual(s) with Stargardt disease (PMID: 23882696). ClinVar contains an entry for this variant (Variation ID: 1364068). Variants that disrupt the consensus splice site are a relatively common cause of aberrant splicing (PMID: 17576681, 9536098). Algorithms developed to predict the effect of sequence changes on RNA splicing suggest that this variant may disrupt the consensus splice site. In summary, the available evidence is currently insufficient to determine the role of this variant in disease. Therefore, it has been classified as a Variant of Uncertain Significance.

Blueprint Genetics
Classification: Uncertain significance. Last evaluated: 2019-12-16. Review status: criteria provided, single submitter. Criteria: ACMG Guidelines, 2015. Collection method: clinical testing. Allele origin: germline.

Literature cited by the submitters: PubMed 23882696 (cited by Labcorp Genetics (formerly Invitae), Labcorp); PubMed 17576681 (cited by Labcorp Genetics (formerly Invitae), Labcorp); PubMed 9536098 (cited by Labcorp Genetics (formerly Invitae), Labcorp).